The following is an entry in ClinVar:

NM_000465.4(BARD1):c.661G>A (p.Glu221Lys)

Gene: BARD1 (BRCA1 associated RING domain 1; minus strand). Cytogenetic location: 2q35.
Variant type: single nucleotide variant.
Coding change: c.661G>A on transcript NM_000465.4 (MANE Select); coding-DNA position 661, G replaced by A.
Protein change: p.Glu221Lys; replaces glutamic acid 221 with lysine.
Molecular consequence: missense variant. On other transcripts: non-coding transcript variant (2), intron variant (3).
Genome position (GRCh38, 1-based): chr2:214,781,213, C>T on the plus strand (G>A on the coding strand, the complement: BARD1 is on the minus strand). VCF-style: chr2-214781213-C-T. GRCh37 (hg19) VCF-style: chr2-215645937-C-T.
Other names: c.604G>A, p.Glu202Lys (NM_001282543.2); c.158+28199G>A (NM_001282548.2); c.215+15848G>A (NM_001282545.2); c.364+11084G>A (NM_001282549.2); short protein forms E202K, E221K.
Identifiers: ClinVar variation 3647145 (VCV003647145.2).

ClinVar aggregate classification (germline): Uncertain significance (1 of 4 stars; one submission).

Conditions:
Familial cancer of breast. Also called: hereditary breast carcinoma; BREAST CANCER, FAMILIAL; Hereditary breast cancer. Identifiers: Orphanet 227535, MedGen C0346153, MONDO:0016419, OMIM 114480. Disease mechanism: loss of function.

Submission:

Labcorp Genetics (formerly Invitae), Labcorp
Classification: Uncertain significance for Familial cancer of breast. Last evaluated: 2024-03-21. Review status: criteria provided, single submitter. Criteria: Invitae Variant Classification Sherloc (09022015). Collection method: clinical testing. Allele origin: germline.
Comment: This sequence change replaces glutamic acid, which is acidic and polar, with lysine, which is basic and polar, at codon 221 of the BARD1 protein (p.Glu221Lys). This variant is not present in population databases (gnomAD no frequency). This variant has not been reported in the literature in individuals affected with BARD1-related conditions. An algorithm developed to predict the effect of missense changes on protein structure and function (PolyPhen-2) suggests that this variant is likely to be tolerated. In summary, the available evidence is currently insufficient to determine the role of this variant in disease. Therefore, it has been classified as a Variant of Uncertain Significance.